The following is an entry in ClinVar:

ClinVar aggregate classification (germline): Pathogenic (1 of 4 stars; one submission).

Conditions:
Alport syndrome. Also called: Hemorrhagic familial nephritis; Hemorrhagic hereditary nephritis; Congenital hereditary hematuria. Identifiers: Orphanet 63, MedGen C1567741, MONDO:0018965.

gnomAD v4.1: 2 of 1,605,642 alleles (0.00012%); highest among the groups gnomAD compares: Non-Finnish European, 0.00017%; no homozygotes.

Submission:

Victorian Clinical Genetics Services, Murdoch Childrens Research Institute
Classification: Pathogenic for Alport syndrome. Last evaluated: 2024-10-08. Review status: criteria provided, single submitter. Criteria: ACMG Guidelines, 2015. Collection method: clinical testing. Allele origin: germline. Affected: yes.
Comment: Based on the classification scheme VCGS_Germline_v1.3.4, this variant is classified as Pathogenic. Following criteria are met: 0103 - Loss of function is a known mechanism of disease for this gene and is associated with Alport syndrome. Dominant negative is a suspected mechanism of disease for this gene as it is a structural protein (PMIDs: 12028435, 24046192). (I) 0108 - This gene is associated with both recessive and dominant disease. Alport syndrome typically has biallelic inheritance, although rare cases of monoallelic inheritance have been reported (PMID: 28704582). Thin basement membrane nephropathy (TBMN) and focal segmental glomerulosclerosis (FSGS) are associated with autosomal dominant inheritance (OMIM, PMIDs: 16467446, 17942953). (I) 0201 - Variant is predicted to cause nonsense-mediated decay (NMD) and loss of protein (premature termination codon is located at least 54 nucleotides upstream of the final exon-exon junction). (SP) 0251 - This variant is heterozygous. (I) 0301 - Variant is absent from gnomAD (both v2 and v3). (SP) 0701 - Other NMD-predicted variants comparable to the one identified in this case have very strong previous evidence for pathogenicity. There are many pathogenic NMD-predicted variants reported in this gene (ClinVar). (SP) 0807 - This variant has no previous evidence of pathogenicity. (I) 0905 - No published segregation evidence has been identified for this variant. (I) 1007 - No published functional evidence has been identified for this variant. (I) 1208 - Inheritance information for this variant is not currently available in this individual. (I) Legend: (SP) - Supporting pathogenic, (I) - Information, (SB) - Supporting benign

Literature cited by the submitters: PubMed 12028435; PubMed 16467446; PubMed 17942953; PubMed 24046192; PubMed 28704582.

NM_000092.5(COL4A4):c.3817G>T (p.Gly1273Ter)

Gene: COL4A4 (collagen type IV alpha 4 chain; minus strand). Cytogenetic location: 2q36.3.
Variant type: single nucleotide variant.
Coding change: c.3817G>T on transcript NM_000092.5 (MANE Select); coding-DNA position 3817, G replaced by T.
Protein change: p.Gly1273Ter; replaces glycine 1273 with a stop codon.
Molecular consequence: nonsense.
Genome position (GRCh38, 1-based): chr2:227,031,945, C>A on the plus strand (G>T on the coding strand, the complement: COL4A4 is on the minus strand). VCF-style: chr2-227031945-C-A. GRCh37 (hg19) VCF-style: chr2-227896661-C-A.
Other names: short protein forms G1273*.
Identifiers: ClinVar variation 3377041 (VCV003377041.1).